The following is an entry in ClinVar:

ClinVar aggregate classification (germline): Uncertain significance (1 of 4 stars; one submission).

gnomAD v4.1: 9 of 1,613,332 alleles (0.00056%); highest among the groups gnomAD compares: African/African-American, 0.011%; no homozygotes.

Submission:

Labcorp Genetics (formerly Invitae), Labcorp
Classification: Uncertain significance. Last evaluated: 2024-08-29. Review status: criteria provided, single submitter. Criteria: Invitae Variant Classification Sherloc (09022015). Collection method: clinical testing. Allele origin: germline.
Comment: This sequence change replaces proline, which is neutral and non-polar, with leucine, which is neutral and non-polar, at codon 1099 of the PKD1L1 protein (p.Pro1099Leu). This variant is present in population databases (rs377167694, gnomAD 0.02%). This variant has not been reported in the literature in individuals affected with PKD1L1-related conditions. Invitae Evidence Modeling of protein sequence and biophysical properties (such as structural, functional, and spatial information, amino acid conservation, physicochemical variation, residue mobility, and thermodynamic stability) indicates that this missense variant is not expected to disrupt PKD1L1 protein function with a negative predictive value of 80%. In summary, the available evidence is currently insufficient to determine the role of this variant in disease. Therefore, it has been classified as a Variant of Uncertain Significance.

NM_138295.5(PKD1L1):c.3296C>T (p.Pro1099Leu)

Gene: PKD1L1 (polycystin 1 like 1, transient receptor potential channel interacting; minus strand). Cytogenetic location: 7p12.3.
Variant type: single nucleotide variant.
Coding change: c.3296C>T on transcript NM_138295.5 (MANE Select); coding-DNA position 3296, C replaced by T.
Protein change: p.Pro1099Leu; replaces proline 1099 with leucine.
Molecular consequence: missense variant.
Genome position (GRCh38, 1-based): chr7:47,882,055, G>A on the plus strand (C>T on the coding strand, the complement: PKD1L1 is on the minus strand). VCF-style: chr7-47882055-G-A. GRCh37 (hg19) VCF-style: chr7-47921653-G-A.
Other names: short protein forms P1099L.
Identifiers: ClinVar variation 3612684 (VCV003612684.2).